The following is an entry in ClinVar:

ClinVar aggregate classification (germline): Likely pathogenic (1 of 4 stars; one submission).

Conditions:
Joubert syndrome. Also called: CEREBELLOPARENCHYMAL DISORDER IV; JOUBERT-BOLTSHAUSER SYNDROME; Familial aplasia of the vermis. Identifiers: Orphanet 475, MedGen C5979921, MONDO:0018772.

Allele frequency attached by ClinVar (database versions not stated): gnomAD exomes below 0.00001.
gnomAD v4.1: 1 of 1,592,064 alleles (0.000063%); highest among the groups gnomAD compares: Non-Finnish European, 0.000086%; no homozygotes.

Submission:

Labcorp Genetics (formerly Invitae), Labcorp
Classification: Likely pathogenic for Joubert syndrome. Last evaluated: 2023-03-16. Review status: criteria provided, single submitter. Criteria: Invitae Variant Classification Sherloc (09022015). Collection method: clinical testing. Allele origin: germline.
Comment: Algorithms developed to predict the effect of sequence changes on RNA splicing suggest that this variant may disrupt the consensus splice site. This variant has not been reported in the literature in individuals affected with AHI1-related conditions. This variant is not present in population databases (gnomAD no frequency). This sequence change affects an acceptor splice site in intron 21 of the AHI1 gene. It is expected to disrupt RNA splicing. Variants that disrupt the donor or acceptor splice site typically lead to a loss of protein function (PMID: 16199547), and loss-of-function variants in AHI1 are known to be pathogenic (PMID: 15322546, 16453322, 28442542, 29186038). In summary, the currently available evidence indicates that the variant is pathogenic, but additional data are needed to prove that conclusively. Therefore, this variant has been classified as Likely Pathogenic.

Literature cited by the submitters: PubMed 16199547; PubMed 15322546; PubMed 16453322; PubMed 28442542; PubMed 29186038.

NM_001134831.2(AHI1):c.2989-2A>T

Gene: AHI1 (Abelson helper integration site 1; minus strand). Cytogenetic location: 6q23.3.
Variant type: single nucleotide variant.
Coding change: c.2989-2A>T on transcript NM_001134831.2 (MANE Select); the canonical splice acceptor site of the intron before coding-DNA position 2989, A replaced by T.
Molecular consequence: splice acceptor variant.
Genome position (GRCh38, 1-based): chr6:135,394,898, T>A on the plus strand (A>T on the coding strand, the complement: AHI1 is on the minus strand). VCF-style: chr6-135394898-T-A. GRCh37 (hg19) VCF-style: chr6-135716036-T-A.
Other names: c.2989-2A>T (NM_001134830.2, NM_001350503.2, NM_017651.5 and 2 more transcripts).
Identifiers: ClinVar variation 2846214 (VCV002846214.3), dbSNP rs2128485171, ClinGen allele CA365843928.